The following is an entry in ClinVar:

NM_001184880.2(PCDH19):c.2191G>A (p.Gly731Arg)

Gene: PCDH19 (protocadherin 19; minus strand). Cytogenetic location: Xq22.1.
Variant type: single nucleotide variant.
Coding change: c.2191G>A on transcript NM_001184880.2 (MANE Select); coding-DNA position 2191, G replaced by A.
Protein change: p.Gly731Arg; replaces glycine 731 with arginine.
Molecular consequence: missense variant. On other transcripts: intron variant (2).
Genome position (GRCh38, 1-based): chrX:100,403,621, C>T on the plus strand (G>A on the coding strand, the complement: PCDH19 is on the minus strand). VCF-style: chrX-100403621-C-T. GRCh37 (hg19) VCF-style: chrX-99658619-C-T.
Other names: c.2148-770G>A (NM_020766.3, NM_001105243.2); short protein forms G731R.
Identifiers: ClinVar variation 533846 (VCV000533846.9), dbSNP rs747124369, ClinGen allele CA10468799.

ClinVar aggregate classification (germline): Uncertain significance (1 of 4 stars; one submission).

Conditions:
Developmental and epileptic encephalopathy, 9 (DEE9). Also called: Early infantile epileptic encephalopathy 9; EPILEPSY, FEMALE-RESTRICTED, WITH MENTAL RETARDATION; PCDH19-Related X-Linked Female-Limited Epilepsy with Mental Retardation; JUBERG-HELLMAN SYNDROME. Identifiers: Orphanet 101039, Orphanet 2076, MedGen C1848137, MONDO:0010246, OMIM 300088. Disease mechanism: loss of function.

Allele frequency attached by ClinVar (database versions not stated): gnomAD exomes 0.00001 and 0.00002; ExAC 0.00003; gnomAD 0.00011 and 0.00012; TOPMed 0.00012.
gnomAD v4.1: 25 of 1,205,690 alleles (0.0021%); highest among the groups gnomAD compares: African/African-American, 0.031%; no homozygotes.

Submission:

Labcorp Genetics (formerly Invitae), Labcorp
Classification: Uncertain significance for Developmental and epileptic encephalopathy, 9. Last evaluated: 2024-04-03. Review status: criteria provided, single submitter. Criteria: Invitae Variant Classification Sherloc (09022015). Collection method: clinical testing. Allele origin: germline.
Comment: This sequence change replaces glycine, which is neutral and non-polar, with arginine, which is basic and polar, at codon 731 of the PCDH19 protein (p.Gly731Arg). This variant is present in population databases (rs747124369, gnomAD 0.02%). This variant has not been reported in the literature in individuals affected with PCDH19-related conditions. ClinVar contains an entry for this variant (Variation ID: 533846). Advanced modeling of protein sequence and biophysical properties (such as structural, functional, and spatial information, amino acid conservation, physicochemical variation, residue mobility, and thermodynamic stability) performed at Invitae indicates that this missense variant is not expected to disrupt PCDH19 protein function with a negative predictive value of 95%. In summary, the available evidence is currently insufficient to determine the role of this variant in disease. Therefore, it has been classified as a Variant of Uncertain Significance.